The following is an entry in ClinVar:

ClinVar aggregate classification (germline): Likely benign (1 of 4 stars; one submission).

gnomAD v4.1: 23 of 1,605,684 alleles (0.0014%); highest among the groups gnomAD compares: African/African-American, 0.0054%; 1 homozygote.

Submission:

CeGaT Center for Human Genetics Tuebingen
Classification: Likely benign. Last evaluated: 2022-07-01. Review status: criteria provided, single submitter. Criteria: CeGaT Center For Human Genetics Tuebingen Variant Classification Criteria Version 2. Collection method: clinical testing. Allele origin: germline. Affected: yes. Observed: 2 variant alleles.
Comment: MOGAT3: BP4, BP7

NM_178176.4(MOGAT3):c.150G>A (p.Thr50=)

Gene: MOGAT3 (monoacylglycerol O-acyltransferase 3; minus strand). Cytogenetic location: 7q22.1.
Variant type: single nucleotide variant.
Coding change: c.150G>A on transcript NM_178176.4 (MANE Select); coding-DNA position 150, G replaced by A.
Protein change: p.Thr50=; no amino-acid change (threonine 50 retained).
Molecular consequence: synonymous variant.
Genome position (GRCh38, 1-based): chr7:101,200,475, C>T on the plus strand (G>A on the coding strand, the complement: MOGAT3 is on the minus strand). VCF-style: chr7-101200475-C-T. GRCh37 (hg19) VCF-style: chr7-100843756-C-T.
Other names: c.150G>A, p.Thr50= (NM_001287147.2).
Identifiers: ClinVar variation 2657856 (VCV002657856.24), dbSNP rs1039718673, ClinGen allele CA163337610.
Genomic context (GRCh38, chr7:101,200,475, plus strand): 5'-GGGTGTGTCCCAGTCCACATAGAGCCACACCAAGTAAAAAACAGAGAAGGGCCAGAGTGA[C>T]GTGAAGAGGAGGACAAAGACAAGAAGGGAGAAGAAAGGGCCTGGGGGAAGGGAGAGAAAG-3'
Protein context (NP_835470.1, residues 40-60): FSLLVFVLLF[Thr50=]SLWPFSVFYL